The following is an entry in ClinVar:

NM_006904.7(PRKDC):c.9078C>A (p.Asp3026Glu)

Gene: PRKDC (protein kinase, DNA-activated, catalytic subunit; minus strand). Cytogenetic location: 8q11.21.
Variant type: single nucleotide variant.
Coding change: c.9078C>A on transcript NM_006904.7 (MANE Select); coding-DNA position 9078, C replaced by A.
Protein change: p.Asp3026Glu; replaces aspartic acid 3026 with glutamic acid.
Molecular consequence: missense variant.
Genome position (GRCh38, 1-based): chr8:47,821,637, G>T on the plus strand (C>A on the coding strand, the complement: PRKDC is on the minus strand). VCF-style: chr8-47821637-G-T. GRCh37 (hg19) VCF-style: chr8-48734198-G-T.
Other names: c.9078C>A, p.Asp3026Glu (NM_001081640.2); short protein forms D3026E.
Identifiers: ClinVar variation 1765688 (VCV001765688.2), dbSNP rs2087598258, ClinGen allele CA371140292.
Genomic context (GRCh38, chr8:47,821,637, plus strand): 5'-TCAATCACTTAAAATAATTTTACCCACCTGATAAAATGGTTCACTCCAGATTTTATTTAG[G>T]TCTGGGGGGTTCTCACTGTCTATACTGGCTGTAGAACAGTATTCAAGTGATTTCCACTCA-3'
Protein context (NP_008835.5, residues 3016-3036): TASIDSENPP[Asp3026Glu]LNKIWSEPFY

ClinVar aggregate classification (germline): Uncertain significance (1 of 4 stars; one submission).

Submission:

Ambry Genetics
Classification: Uncertain significance. Last evaluated: 2022-01-10. Review status: criteria provided, single submitter. Criteria: Ambry Variant Classification Scheme 2023. Collection method: clinical testing. Allele origin: germline.
Comment: The p.D3026E variant (also known as c.9078C>A), located in coding exon 65 of the PRKDC gene, results from a C to A substitution at nucleotide position 9078. The aspartic acid at codon 3026 is replaced by glutamic acid, an amino acid with highly similar properties. This amino acid position is conserved. In addition, this alteration is predicted to be tolerated by in silico analysis. Since supporting evidence is limited at this time, the clinical significance of this alteration remains unclear.